The following is an entry in ClinVar:

NM_001378609.3(OTOGL):c.457T>A (p.Cys153Ser)

Gene: OTOGL (otogelin like; plus strand). Cytogenetic location: 12q21.31.
Variant type: single nucleotide variant.
Coding change: c.457T>A on transcript NM_001378609.3 (MANE Select); coding-DNA position 457, T replaced by A.
Protein change: p.Cys153Ser; replaces cysteine 153 with serine.
Molecular consequence: missense variant.
Genome position (GRCh38, 1-based): chr12:80,222,213, T>A. VCF-style: chr12-80222213-T-A. GRCh37 (hg19) VCF-style: chr12-80615993-T-A.
Other names: c.457T>A, p.Cys153Ser (NM_001368062.3, NM_001378610.3, NM_173591.7); short protein forms C153S.
Identifiers: ClinVar variation 1715922 (VCV001715922.5), dbSNP rs2540933081, ClinGen allele CA385855989.

ClinVar aggregate classification (germline): Uncertain significance (1 of 4 stars; one submission).

Submission:

Labcorp Genetics (formerly Invitae), Labcorp
Classification: Uncertain significance. Last evaluated: 2022-08-09. Review status: criteria provided, single submitter. Criteria: Invitae Variant Classification Sherloc (09022015). Collection method: clinical testing. Allele origin: germline.
Comment: This sequence change replaces cysteine, which is neutral and slightly polar, with serine, which is neutral and polar, at codon 144 of the OTOGL protein (p.Cys144Ser). This variant is not present in population databases (gnomAD no frequency). In summary, the available evidence is currently insufficient to determine the role of this variant in disease. Therefore, it has been classified as a Variant of Uncertain Significance. Algorithms developed to predict the effect of missense changes on protein structure and function are either unavailable or do not agree on the potential impact of this missense change (SIFT: "Deleterious"; PolyPhen-2: "Probably Damaging"; Align-GVGD: "Class C0"). This variant has not been reported in the literature in individuals affected with OTOGL-related conditions.